The following is an entry in ClinVar:

ClinVar aggregate classification (germline): Likely pathogenic (1 of 4 stars; one submission).

Conditions:
Fabry disease. Also called: ALPHA-GALACTOSIDASE A DEFICIENCY; ANDERSON-FABRY DISEASE; CERAMIDE TRIHEXOSIDASE DEFICIENCY; GLA DEFICIENCY; HEREDITARY DYSTOPIC LIPIDOSIS; Angiokeratoma corporis diffusum. Identifiers: Orphanet 324, MedGen C0002986, MONDO:0010526, OMIM 301500, HP:0001071. Disease mechanism: Fabry disease is due to inactivating mutations in the X-linked GLA gene resulting in deficiency of the enzyme Alpha Galactosidase-A., loss of function.

Submission:

Genomenon, Inc
Classification: Likely pathogenic for Fabry disease. Last evaluated: 2026-09-08. Review status: criteria provided, single submitter. Criteria: Genomenon Sequence Variant Interpretation Standards - Updated. Collection method: curation. Allele origin: germline. Affected: yes.
Comment: GLA p.Ser201Tyr (c.602C>A) is a missense variant that changes the amino acid at codon 201 from Serine to Tyrosine. This variant has been observed in at least one proband with clinical features consistent with Fabry disease (PMID:16595074). Functional or patient cell studies have been reported (PMID:24386359;27657681;16595074). This variant is located in a mutational hotspot and/or important functional domain. It is absent or not present at a significant frequency in gnomAD. In silico models predict that this variant is possibly or probably damaging. In conclusion, we classify GLA p.Ser201Tyr (c.602C>A) as a likely pathogenic variant.

Literature cited by the submitters: PubMed 16595074; PubMed 24386359; PubMed 27657681.

NM_000169.3(GLA):c.602C>A (p.Ser201Tyr)

Genes: GLA (galactosidase alpha; minus strand), RPL36A-HNRNPH2 (RPL36A-HNRNPH2 readthrough; plus strand). Cytogenetic location: Xq22.1.
Variant type: single nucleotide variant.
Coding change: c.602C>A on transcript NM_000169.3 (MANE Select); coding-DNA position 602, C replaced by A.
Protein change: p.Ser201Tyr; replaces serine 201 with tyrosine.
Molecular consequence: missense variant. On other transcripts: non-coding transcript variant (2), intron variant (2).
Genome position (GRCh38, 1-based): chrX:101,400,703, G>T on the plus strand (C>A on the coding strand, the complement: GLA is on the minus strand). VCF-style: chrX-101400703-G-T. GRCh37 (hg19) VCF-style: chrX-100655691-G-T.
Other names: c.725C>A, p.Ser242Tyr (NM_001406747.1); c.602C>A, p.Ser201Tyr (NM_001406748.1); c.300+5246G>T (NM_001199973.2); c.177+8881G>T (NM_001199974.2); short protein forms S201Y, S242Y.
Identifiers: ClinVar variation 4087427 (VCV004087427.2).